The following is an entry in ClinVar:

NM_001365951.3(KIF1B):c.4647C>G (p.Ile1549Met)

Gene: KIF1B (kinesin family member 1B; plus strand). Cytogenetic location: 1p36.22.
Variant type: single nucleotide variant.
Coding change: c.4647C>G on transcript NM_001365951.3 (MANE Select); coding-DNA position 4647, C replaced by G.
Protein change: p.Ile1549Met; replaces isoleucine 1549 with methionine.
Molecular consequence: missense variant.
Genome position (GRCh38, 1-based): chr1:10,365,543, C>G. VCF-style: chr1-10365543-C-G. GRCh37 (hg19) VCF-style: chr1-10425601-C-G.
Other names: c.4647C>G, p.Ile1549Met (NM_001365952.1); c.4509C>G, p.Ile1503Met (NM_015074.3); short protein forms I1549M, I1503M.
Identifiers: ClinVar variation 1741084 (VCV001741084.2), dbSNP rs1380710611, ClinGen allele CA338322121.

ClinVar aggregate classification (germline): Uncertain significance (1 of 4 stars; one submission).

Submission:

Ambry Genetics
Classification: Uncertain significance. Last evaluated: 2022-08-22. Review status: criteria provided, single submitter. Criteria: Ambry Variant Classification Scheme 2023. Collection method: clinical testing. Allele origin: germline.
Comment: The p.I1503M variant (also known as c.4509C>G), located in coding exon 40 of the KIF1B gene, results from a C to G substitution at nucleotide position 4509. The isoleucine at codon 1503 is replaced by methionine, an amino acid with highly similar properties. This amino acid position is conserved. In addition, the in silico prediction for this alteration is inconclusive. Since supporting evidence is limited at this time, the clinical significance of this alteration remains unclear.